The following is an entry in ClinVar:

NM_000075.4(CDK4):c.726A>T (p.Val242=)

Genes: CDK4 (cyclin dependent kinase 4; minus strand), TSPAN31 (tetraspanin 31; plus strand). Cytogenetic location: 12q14.1.
Variant type: single nucleotide variant.
Coding change: c.726A>T on transcript NM_000075.4 (MANE Select); coding-DNA position 726, A replaced by T.
Protein change: p.Val242=; no amino-acid change (valine 242 retained).
Molecular consequence: synonymous variant. On other transcripts: 3 prime UTR variant (3).
Genome position (GRCh38, 1-based): chr12:57,749,275, T>A on the plus strand (A>T on the coding strand, the complement: CDK4 is on the minus strand). VCF-style: chr12-57749275-T-A. GRCh37 (hg19) VCF-style: chr12-58143058-T-A.
Other names: c.*1985T>A (NM_001330168.2, NM_001330169.2, NM_005981.5).
Identifiers: ClinVar variation 3378555 (VCV003378555.1).

ClinVar aggregate classification (germline): Benign (1 of 4 stars; one submission).

Conditions:
Melanoma, cutaneous malignant, susceptibility to, 3. Also called: Cutaneous malignant melanoma 3. Identifiers: Orphanet 618, MedGen C1836892, MONDO:0012183, OMIM 609048.

Submission:

Myriad Genetics, Inc.
Classification: Benign for Melanoma, cutaneous malignant, susceptibility to, 3. Last evaluated: 2024-09-26. Review status: criteria provided, single submitter. Criteria: Myriad Autosomal Dominant, Autosomal Recessive and X-Linked Classification Criteria (2023). Collection method: clinical testing. Allele origin: unknown.
Comment: This variant is considered benign. This variant is a silent/synonymous amino acid change and it is not expected to impact splicing.